The following is an entry in ClinVar:

NM_001242882.2(NAXD):c.442-2A>G

Gene: NAXD (NAD(P)HX dehydratase; plus strand). Cytogenetic location: 13q34.
Variant type: single nucleotide variant.
Coding change: c.442-2A>G on transcript NM_001242882.2 (MANE Select); the canonical splice acceptor site of the intron before coding-DNA position 442, A replaced by G.
Molecular consequence: splice acceptor variant.
Genome position (GRCh38, 1-based): chr13:110,634,543, A>G. VCF-style: chr13-110634543-A-G. GRCh37 (hg19) VCF-style: chr13-111286890-A-G.
Other names: c.166-2A>G (NM_001242883.2); c.496-2A>G (NM_018210.4, NM_001242881.2).
Identifiers: ClinVar variation 2024675 (VCV002024675.4), dbSNP rs2501698946, ClinGen allele CA388733719.

ClinVar aggregate classification (germline): Likely pathogenic (1 of 4 stars; one submission).

Submission:

Labcorp Genetics (formerly Invitae), Labcorp
Classification: Likely pathogenic. Last evaluated: 2023-12-11. Review status: criteria provided, single submitter. Criteria: Invitae Variant Classification Sherloc (09022015). Collection method: clinical testing. Allele origin: germline.
Comment: This sequence change affects an acceptor splice site in intron 5 of the NAXD gene. It is expected to disrupt RNA splicing. Variants that disrupt the donor or acceptor splice site typically lead to a loss of protein function (PMID: 16199547), and loss-of-function variants in NAXD are known to be pathogenic (PMID: 30576410, 32462209). This variant is not present in population databases (gnomAD no frequency). Disruption of this splice site has been observed in individual(s) with NAXD-related condition (PMID: 35379322). ClinVar contains an entry for this variant (Variation ID: 2024675). Algorithms developed to predict the effect of sequence changes on RNA splicing suggest that this variant may disrupt the consensus splice site. In summary, the currently available evidence indicates that the variant is pathogenic, but additional data are needed to prove that conclusively. Therefore, this variant has been classified as Likely Pathogenic.

Literature cited by the submitters: PubMed 16199547; PubMed 30576410; PubMed 32462209; PubMed 35379322.